The following is an entry in ClinVar:

NM_025114.4(CEP290):c.4634_4637dup (p.Gln1546fs)

Gene: CEP290 (centrosomal protein 290; minus strand). Cytogenetic location: 12q21.32.
Variant type: Duplication.
Coding change: c.4634_4637dup on transcript NM_025114.4 (MANE Select); coding-DNA positions 4634 to 4637, 4 bases duplicated (TGCA; older notation c.4634_4637dupTGCA).
Protein change: p.Gln1546fs; shifts the reading frame from glutamine 1546.
Molecular consequence: frameshift variant.
Genome position (GRCh38, 1-based): chr12:88,084,653-88,084,656, TGCA duplicated on the plus strand (TGCA on the coding strand, the reverse complement: CEP290 is on the minus strand); duplicating any 4 consecutive bases within chr12:88,084,653-88,084,658 gives the same sequence; the c. name uses the placement nearest the transcript's 3' end. VCF-style (leftmost placement, unchanged base first): chr12-88084652-T-TTGCA. GRCh37 (hg19) VCF-style: chr12-88478429-T-TTGCA.
Other names: short protein forms Q1546fs.
Identifiers: ClinVar variation 1947719 (VCV001947719.7), dbSNP rs746413821, ClinGen allele CA6711899.

ClinVar aggregate classification (germline): Pathogenic/Likely pathogenic. Review status: criteria provided, multiple submitters, no conflicts (2 of 4 stars). 3 submissions from 3 submitters: Pathogenic (2); Likely pathogenic (1). Last evaluated 2025-10-24.

Conditions:
Retinal disorder. Also called: Retinal disorders; Retinopathies; Retinal Diseases; Retinopathy. Identifiers: MedGen C0035309, MONDO:0005283, HP:0000488.
CEP290-related disorder. Also called: CEP290-related disorders; CEP290-related condition. Identifiers: MedGen CN239314.
Meckel-Gruber syndrome. Also called: Dysencephalia splachnocystica; DYSENCEPHALIA SPLANCHNOCYSTICA; GRUBER SYNDROME. Identifiers: Orphanet 564, MedGen C0265215, MONDO:0018921.
Nephronophthisis. Also called: Juvenile Nephronophthisis. Identifiers: Orphanet 655, MedGen C0687120, MONDO:0019005, HP:0000090.
Joubert syndrome. Also called: Familial aplasia of the vermis; JOUBERT-BOLTSHAUSER SYNDROME. Identifiers: Orphanet 475, MedGen C5979921, MONDO:0018772.

Submissions (3):

Genetics Laboratory, Great Ormond Street Hospital NHS Foundation Trust, North Thames Genomic Laboratory Hub
Classification: Pathogenic for Retinal disorders. Last evaluated: 2025-10-24. Review status: criteria provided, single submitter. Criteria: ACGS Best Practice Guidelines for Variant Classification in Rare Disease 2024 v1.2. Collection method: clinical testing. Allele origin: germline. Affected: yes.
Comment: PM2_moderate, PVS1_very-strong

Labcorp Genetics (formerly Invitae), Labcorp
Classification: Pathogenic for Joubert syndrome; Meckel-Gruber syndrome; Nephronophthisis. Last evaluated: 2023-11-20. Review status: criteria provided, single submitter. Criteria: Invitae Variant Classification Sherloc (09022015). Collection method: clinical testing. Allele origin: germline.
Comment: This sequence change creates a premature translational stop signal (p.Gln1546Hisfs*34) in the CEP290 gene. It is expected to result in an absent or disrupted protein product. Loss-of-function variants in CEP290 are known to be pathogenic (PMID: 16909394, 17345604, 20690115). This variant is present in population databases (rs746413821, gnomAD 0.0009%). This variant has not been reported in the literature in individuals affected with CEP290-related conditions. ClinVar contains an entry for this variant (Variation ID: 1947719). For these reasons, this variant has been classified as Pathogenic.

Blueprint Genetics
Classification: Likely pathogenic for CEP290-related disorders. Last evaluated: 2020-12-09. Review status: criteria provided, single submitter. Criteria: ACMG Guidelines, 2015. Collection method: clinical testing. Allele origin: germline. Affected: yes. Observed: 1 variant allele.

Literature cited by the submitters: PubMed 16909394 (cited by Labcorp Genetics (formerly Invitae), Labcorp); PubMed 17345604 (cited by Labcorp Genetics (formerly Invitae), Labcorp); PubMed 20690115 (cited by Labcorp Genetics (formerly Invitae), Labcorp).